The following is an entry in ClinVar:

ClinVar aggregate classification (germline): Pathogenic (1 of 4 stars; one submission).

Conditions:
Cohen syndrome (COH1). Also called: PEPPER SYNDROME; Cutis verticis gyrata, retinitis pigmentosa, and sensorineural deafness. Identifiers: Orphanet 193, MedGen C0265223, MONDO:0008999, OMIM 216550.

Submission:

Myriad Genetics, Inc.
Classification: Pathogenic for Cohen syndrome. Last evaluated: 2025-03-18. Review status: criteria provided, single submitter. Criteria: Myriad Autosomal Dominant, Autosomal Recessive and X-Linked Classification Criteria (2023). Collection method: clinical testing. Allele origin: unknown.
Comment: NM_017890.4(VPS13B):c.11037T>G(Y3679*) is expected to be pathogenic in the context of Cohen syndrome. This variant is predicted to lead to an abnormal or absent protein product due to the creation of a premature termination codon in VPS13B, a gene where loss-of-function variants are known to be pathogenic. Please note: this variant was assessed in the context of healthy population screening.

NM_152564.5(VPS13B):c.10962T>G (p.Tyr3654Ter)

Gene: VPS13B (vacuolar protein sorting 13 homolog B; plus strand). Cytogenetic location: 8q22.2.
Variant type: single nucleotide variant.
Coding change: c.10962T>G on transcript NM_152564.5 (MANE Select); coding-DNA position 10962, T replaced by G.
Protein change: p.Tyr3654Ter; replaces tyrosine 3654 with a stop codon.
Molecular consequence: nonsense.
Genome position (GRCh38, 1-based): chr8:99,859,398, T>G. VCF-style: chr8-99859398-T-G. GRCh37 (hg19) VCF-style: chr8-100871626-T-G.
Other names: c.11037T>G, p.Tyr3679Ter (NM_017890.5); short protein forms Y3654*, Y3679*.
Identifiers: ClinVar variation 5014229 (VCV005014229.1).